The following is an entry in ClinVar:

ClinVar aggregate classification (germline): Likely benign (1 of 4 stars; one submission).

Allele frequency attached by ClinVar (database versions not stated): gnomAD exomes below 0.00001; TOPMed below 0.00001; gnomAD 0.00001.
gnomAD v4.1: 4 of 1,613,482 alleles (0.00025%); highest among the groups gnomAD compares: African/African-American, 0.0013%; no homozygotes.

Submission:

CeGaT Center for Human Genetics Tuebingen
Classification: Likely benign. Last evaluated: 2022-11-01. Review status: criteria provided, single submitter. Criteria: CeGaT Center For Human Genetics Tuebingen Variant Classification Criteria Version 2. Collection method: clinical testing. Allele origin: germline. Affected: yes. Observed: 1 variant allele.
Comment: UGT2B10: BP4, BP7

NM_001075.6(UGT2B10):c.1203T>C (p.Asn401=)

Gene: UGT2B10 (UDP glucuronosyltransferase family 2 member B10; plus strand). Cytogenetic location: 4q13.2.
Variant type: single nucleotide variant.
Coding change: c.1203T>C on transcript NM_001075.6 (MANE Select); coding-DNA position 1203, T replaced by C.
Protein change: p.Asn401=; no amino-acid change (asparagine 401 retained).
Molecular consequence: synonymous variant.
Genome position (GRCh38, 1-based): chr4:68,827,444, T>C. VCF-style: chr4-68827444-T-C. GRCh37 (hg19) VCF-style: chr4-69693162-T-C.
Other names: c.951T>C, p.Asn317= (NM_001144767.3); c.459T>C, p.Asn153= (NM_001290091.2).
Identifiers: ClinVar variation 2654782 (VCV002654782.24), dbSNP rs71616903, ClinGen allele CA98794721.
Genomic context (GRCh38, chr4:68,827,444, plus strand): 5'-GGCAATCTACCATGGGATCCCTATGGTGGGCATTCCATTGTTTTTTGATCAACCTGATAA[T>C]ATTGCTCACATGAAGGCCAAGGGAGCAGCTGTTAGAGTGGACTTCAACACAATGTCGAGT-3'
Protein context (NP_001066.1, residues 391-411): GIPLFFDQPD[Asn401=]IAHMKAKGAA